The following is an entry in ClinVar:

NC_000003.12:g.169482484_169482497del

Genes: MECOM (MDS1 and EVI1 complex locus; minus strand), TERC (telomerase RNA component; minus strand). Cytogenetic location: 3q26.2.
Variant type: Deletion.
Molecular consequence: intron variant (on NM_004991.4).
Genome position: GRCh38 VCF-style: chr3-169482483-CGCCACCACGCCCGG-C. GRCh37 (hg19) VCF-style: chr3-169200271-CGCCACCACGCCCGG-C.
Other names: c.-190+180839_-190+180852del (NM_001205194.2); c.38-100973_38-100960del (NM_001366473.2, NM_001366466.2, NM_004991.4).
Identifiers: ClinVar variation 972906 (VCV000972906.2), dbSNP rs1751472744, ClinGen allele CA1139658326.

ClinVar aggregate classification (germline): Likely pathogenic (1 of 4 stars; one submission).

Conditions:
Dyskeratosis congenita, autosomal dominant 1 (DKCA1). Also called: Dyskeratosis congenita Scoggins type. Identifiers: Orphanet 1775, MedGen C4551974, MONDO:0007485, OMIM 127550. Inheritance: Variable.

Submission:

Godley laboratory, The University of Chicago
Classification: Likely pathogenic for Dyskeratosis congenita, autosomal dominant 1. Last evaluated: 2020-05-21. Review status: criteria provided, single submitter. Criteria: ACMG Guidelines, 2015. Collection method: clinical testing. Allele origin: germline. Inheritance: Autosomal dominant inheritance. Affected: yes. Observed: 1 heterozygote.